The following is an entry in ClinVar:

NM_001035.3(RYR2):c.7405G>A (p.Val2469Ile)

Gene: RYR2 (ryanodine receptor 2; plus strand). Cytogenetic location: 1q43.
Variant type: single nucleotide variant.
Coding change: c.7405G>A on transcript NM_001035.3 (MANE Select); coding-DNA position 7405, G replaced by A.
Protein change: p.Val2469Ile; replaces valine 2469 with isoleucine.
Molecular consequence: missense variant.
Genome position (GRCh38, 1-based): chr1:237,648,506, G>A. VCF-style: chr1-237648506-G-A. GRCh37 (hg19) VCF-style: chr1-237811806-G-A.
Other names: short protein forms V2469I.
Identifiers: ClinVar variation 2145653 (VCV002145653.4), dbSNP rs2547025882, ClinGen allele CA345398209.

ClinVar aggregate classification (germline): Uncertain significance (1 of 4 stars; one submission).

Conditions:
Catecholaminergic polymorphic ventricular tachycardia 1. Also called: VENTRICULAR TACHYCARDIA, STRESS-INDUCED POLYMORPHIC 1; RYR2-Related Catecholaminergic Polymorphic Ventricular Tachycardia; VENTRICULAR TACHYCARDIA, CATECHOLAMINERGIC POLYMORPHIC, 1, WITH OR WITHOUT ATRIAL DYSFUNCTION AND/OR DILATED CARDIOMYOPATHY. Identifiers: Orphanet 3286, MedGen C1631597, MONDO:0011484, OMIM 604772.

Submission:

Labcorp Genetics (formerly Invitae), Labcorp
Classification: Uncertain significance for Catecholaminergic polymorphic ventricular tachycardia 1. Last evaluated: 2022-10-05. Review status: criteria provided, single submitter. Criteria: Invitae Variant Classification Sherloc (09022015). Collection method: clinical testing. Allele origin: germline.
Comment: This sequence change replaces valine, which is neutral and non-polar, with isoleucine, which is neutral and non-polar, at codon 2469 of the RYR2 protein (p.Val2469Ile). In summary, the available evidence is currently insufficient to determine the role of this variant in disease. Therefore, it has been classified as a Variant of Uncertain Significance. Advanced modeling of protein sequence and biophysical properties (such as structural, functional, and spatial information, amino acid conservation, physicochemical variation, residue mobility, and thermodynamic stability) performed at Invitae indicates that this missense variant is expected to disrupt RYR2 protein function. This variant has not been reported in the literature in individuals affected with RYR2-related conditions. This variant is not present in population databases (gnomAD no frequency).